The following is an entry in ClinVar:

ClinVar aggregate classification (germline): Uncertain significance. Review status: criteria provided, multiple submitters, no conflicts (2 of 4 stars). 2 submissions from 2 submitters: Uncertain significance (2). Last evaluated 2026-03-17.

Conditions:
Polycystic kidney disease, adult type (PKD1). Also called: Polycystic Kidney Disease 1, Autosomal Dominant; Polycystic kidney disease 1; Polycystic kidney disease 1, severe; Polycystic Kidney, Autosomal Dominant; POLYCYSTIC KIDNEY DISEASE, ADULT, TYPE I; POLYCYSTIC KIDNEY DISEASE 1 WITH OR WITHOUT POLYCYSTIC LIVER DISEASE. Identifiers: MedGen C3149841, MONDO:0008263, OMIM 173900.

gnomAD v4.1: 5 of 1,611,480 alleles (0.00031%); highest among the groups gnomAD compares: African/African-American, 0.0013%; no homozygotes.

Submissions (2):

GeneDx
Classification: Uncertain significance. Last evaluated: 2026-03-17. Review status: criteria provided, single submitter. Criteria: GeneDx Variant Classification Process June 2021. Collection method: clinical testing. Allele origin: germline.
Comment: Not observed at significant frequency in large population cohorts (gnomAD); In silico analysis suggests that this missense variant does not alter protein structure/function; Has not been previously published as pathogenic or benign to our knowledge

Fulgent Genetics
Classification: Uncertain significance for Polycystic kidney disease, adult type. Last evaluated: 2024-01-22. Review status: criteria provided, single submitter. Criteria: ACMG Guidelines, 2015. Collection method: clinical testing. Allele origin: germline.

NM_001009944.3(PKD1):c.12229G>T (p.Ala4077Ser)

Gene: PKD1 (polycystin 1, transient receptor potential channel interacting; minus strand). Cytogenetic location: 16p13.3.
Variant type: single nucleotide variant.
Coding change: c.12229G>T on transcript NM_001009944.3 (MANE Select); coding-DNA position 12229, G replaced by T.
Protein change: p.Ala4077Ser; replaces alanine 4077 with serine.
Molecular consequence: missense variant.
Genome position (GRCh38, 1-based): chr16:2,090,500, C>A on the plus strand (G>T on the coding strand, the complement: PKD1 is on the minus strand). VCF-style: chr16-2090500-C-A. GRCh37 (hg19) VCF-style: chr16-2140501-C-A.
Other names: c.12226G>T, p.Ala4076Ser (NM_000296.4); short protein forms A4077S, A4076S.
Identifiers: ClinVar variation 3578864 (VCV003578864.2).